The following is an entry in ClinVar:

NM_178335.3(CCDC50):c.1006G>A (p.Val336Ile)

Gene: CCDC50 (coiled-coil domain containing 50; plus strand). Cytogenetic location: 3q28.
Variant type: single nucleotide variant.
Coding change: c.1006G>A on transcript NM_178335.3 (MANE Select); coding-DNA position 1006, G replaced by A.
Protein change: p.Val336Ile; replaces valine 336 with isoleucine.
Molecular consequence: missense variant.
Genome position (GRCh38, 1-based): chr3:191,380,188, G>A. VCF-style: chr3-191380188-G-A. GRCh37 (hg19) VCF-style: chr3-191097977-G-A.
Other names: c.478G>A, p.Val160Ile (NM_174908.4); short protein forms V160I, V336I.
Identifiers: ClinVar variation 1217521 (VCV001217521.14), dbSNP rs765375664, ClinGen allele CA2755409.

ClinVar aggregate classification (germline): Likely benign. Review status: criteria provided, multiple submitters, no conflicts (2 of 4 stars). 5 submissions from 5 submitters: Likely benign (5). Last evaluated 2026-06-06.

Conditions:
CCDC50-related disorder. Also called: CCDC50-related condition.

Allele frequency attached by ClinVar (database versions not stated): gnomAD 0.00002; gnomAD exomes 0.00003 and 0.00015; TOPMed 0.00009; ExAC 0.00013.
gnomAD v4.1: 43 of 1,589,044 alleles (0.0027%); highest among the groups gnomAD compares: Admixed American, 0.072%; no homozygotes.

Submissions (5):

PreventionGenetics, part of Exact Sciences
Classification: Likely benign for CCDC50-related condition. Last evaluated: 2026-06-06. Review status: criteria provided, single submitter. Criteria: ACMG Guidelines, 2015. Collection method: clinical testing. Allele origin: germline.
Comment: This variant is classified as likely benign based on ACMG/AMP sequence variant interpretation guidelines (Richards et al. 2015 PMID: 25741868, with internal and published modifications).

Labcorp Genetics (formerly Invitae), Labcorp
Classification: Likely benign. Last evaluated: 2025-07-08. Review status: criteria provided, single submitter. Criteria: Invitae Variant Classification Sherloc (09022015). Collection method: clinical testing. Allele origin: germline.

Ambry Genetics
Classification: Likely benign. Last evaluated: 2024-05-13. Review status: criteria provided, single submitter. Criteria: Ambry Variant Classification Scheme 2023. Collection method: clinical testing. Allele origin: germline.

Blueprint Genetics
Classification: Likely benign. Last evaluated: 2022-02-03. Review status: criteria provided, single submitter. Criteria: ACMG Guidelines, 2015. Collection method: clinical testing. Allele origin: germline.

GeneDx
Classification: Likely benign. Last evaluated: 2020-03-12. Review status: criteria provided, single submitter. Criteria: GeneDx Variant Classification Process June 2021. Collection method: clinical testing. Allele origin: germline. Affected: yes.